The following is an entry in ClinVar:

NM_007294.4(BRCA1):c.278T>G (p.Phe93Cys)

Gene: BRCA1 (BRCA1 DNA repair associated; minus strand). Cytogenetic location: 17q21.31.
Variant type: single nucleotide variant.
Coding change: c.278T>G on transcript NM_007294.4 (MANE Select); coding-DNA position 278, T replaced by G.
Protein change: p.Phe93Cys; replaces phenylalanine 93 with cysteine.
Molecular consequence: missense variant. On other transcripts: non-coding transcript variant (1).
Genome position (GRCh38, 1-based): chr17:43,104,891, A>C on the plus strand (T>G on the coding strand, the complement: BRCA1 is on the minus strand). VCF-style: chr17-43104891-A-C. GRCh37 (hg19) VCF-style: chr17-41256908-A-C.
Other names: c.68T>G, p.Phe23Cys (NM_001407571.1, NM_001407853.1, NM_001407879.1 and 58 more transcripts); c.278T>G, p.Phe93Cys (NM_001407581.1, NM_001407582.1, NM_001407583.1 and 168 more transcripts); c.200T>G, p.Phe67Cys (NM_001407653.1, NM_001407654.1, NM_001407655.1 and 21 more transcripts); c.137T>G, p.Phe46Cys (NM_001407692.1, NM_001407694.1, NM_001407695.1 and 99 more transcripts); c.-104T>G (NM_001407959.1, NM_001407960.1, NM_001407962.1 and 4 more transcripts); c.146T>G, p.Phe49Cys (NM_001408451.1); short protein forms F46C, F93C, F67C, F23C, F49C.
Identifiers: ClinVar variation 865361 (VCV000865361.3), dbSNP rs2054677399, ClinGen allele CA10601598.

Conditions:
Breast-ovarian cancer, familial, susceptibility to, 1 (BROVCA1). Also called: BRCA1 Hereditary Breast and Ovarian Cancer; OVARIAN CANCER, SUSCEPTIBILITY TO. Identifiers: Orphanet 145, MedGen C2676676, MONDO:0011450, OMIM 604370. Disease mechanism: loss of function.

Submission:

Brotman Baty Institute, University of Washington
No classification provided (evidence only). Condition: Breast-ovarian cancer, familial 1. Review status: no classification provided. Collection method: in vitro. Allele origin: not applicable. Functional consequence: function_uncertain_variant.
ClinVar note: "not provided" was previously submitted as the classification for the variant. However, the classification appeared to be based only on an observation of functional data so it was converted to no classification on 2025-07-30.